The following is an entry in ClinVar:

NM_001035.3(RYR2):c.9722T>C (p.Met3241Thr)

Gene: RYR2 (ryanodine receptor 2; plus strand). Cytogenetic location: 1q43.
Variant type: single nucleotide variant.
Coding change: c.9722T>C on transcript NM_001035.3 (MANE Select); coding-DNA position 9722, T replaced by C.
Protein change: p.Met3241Thr; replaces methionine 3241 with threonine.
Molecular consequence: missense variant.
Genome position (GRCh38, 1-based): chr1:237,707,090, T>C. VCF-style: chr1-237707090-T-C. GRCh37 (hg19) VCF-style: chr1-237870390-T-C.
Other names: short protein forms M3241T.
Identifiers: ClinVar variation 2887923 (VCV002887923.6), dbSNP rs1438672861, ClinGen allele CA345408643.

ClinVar aggregate classification (germline): Uncertain significance. Review status: criteria provided, multiple submitters, no conflicts (2 of 4 stars). 3 submissions from 3 submitters: Uncertain significance (3). Last evaluated 2024-04-25.

Conditions:
Cardiomyopathy (CMYO). Also called: Cardiomyopathies. Identifiers: Orphanet 167848, MedGen C0878544, MONDO:0004994, HP:0001638. Inheritance: Various modes of inheritance.
Catecholaminergic polymorphic ventricular tachycardia (CVPT). Also called: Catecholamine-induced polymorphic ventricular tachycardia. Identifiers: Orphanet 3286, MedGen C5574922, MONDO:0017990.
Catecholaminergic polymorphic ventricular tachycardia 1. Also called: RYR2-Related Catecholaminergic Polymorphic Ventricular Tachycardia; VENTRICULAR TACHYCARDIA, CATECHOLAMINERGIC POLYMORPHIC, 1, WITH OR WITHOUT ATRIAL DYSFUNCTION AND/OR DILATED CARDIOMYOPATHY; VENTRICULAR TACHYCARDIA, STRESS-INDUCED POLYMORPHIC 1. Identifiers: Orphanet 3286, MedGen C1631597, MONDO:0011484, OMIM 604772.

Allele frequency attached by ClinVar (database versions not stated): gnomAD exomes below 0.00001.
gnomAD v4.1: 4 of 1,613,950 alleles (0.00025%); highest among the groups gnomAD compares: Admixed American, 0.0017%; no homozygotes.

Submissions (3):

All of Us Research Program, National Institutes of Health
Classification: Uncertain significance for Catecholaminergic polymorphic ventricular tachycardia. Last evaluated: 2024-04-25. Review status: criteria provided, single submitter. Criteria: ACMG Guidelines, 2015. Collection method: clinical testing. Allele origin: germline. Inheritance: Autosomal dominant inheritance. Observed: 2 variant alleles, 2 heterozygotes.
Comment: This missense variant replaces methionine with threonine at codon 3241 of the RYR2 protein. Computational prediction suggests that this variant may have deleterious impact on protein structure and function (internally defined REVEL score threshold >= 0.7, PMID: 27666373). To our knowledge, functional studies have not been reported for this variant. This variant has not been reported in individuals affected with RYR2-related disorders in the literature. This variant has been identified in 1/249036 chromosomes in the general population by the Genome Aggregation Database (gnomAD). The available evidence is insufficient to determine the role of this variant in disease conclusively. Therefore, this variant is classified as a Variant of Uncertain Significance.

This study involves interpretation of variants in research participants for the purpose of population health screening. Participant phenotype was not available at the time of variant classification. Additional details can be found in publication PMID: 35346344, PMCID: PMC8962531

Color Diagnostics, LLC DBA Color Health
Classification: Uncertain significance for Cardiomyopathy. Last evaluated: 2024-04-10. Review status: criteria provided, single submitter. Criteria: ACMG Guidelines, 2015. Collection method: clinical testing. Allele origin: germline.
Comment: This missense variant replaces methionine with threonine at codon 3241 of the RYR2 protein. Computational prediction suggests that this variant may have deleterious impact on protein structure and function. To our knowledge, functional studies have not been reported for this variant. This variant has not been reported in individuals affected with RYR2-related disorders in the literature. This variant has been identified in 1/249036 chromosomes in the general population by the Genome Aggregation Database (gnomAD). The available evidence is insufficient to determine the role of this variant in disease conclusively. Therefore, this variant is classified as a Variant of Uncertain Significance.

Labcorp Genetics (formerly Invitae), Labcorp
Classification: Uncertain significance for Catecholaminergic polymorphic ventricular tachycardia 1. Last evaluated: 2024-03-18. Review status: criteria provided, single submitter. Criteria: Invitae Variant Classification Sherloc (09022015). Collection method: clinical testing. Allele origin: germline.
Comment: This sequence change replaces methionine, which is neutral and non-polar, with threonine, which is neutral and polar, at codon 3241 of the RYR2 protein (p.Met3241Thr). This variant is present in population databases (no rsID available, gnomAD 0.003%). This variant has not been reported in the literature in individuals affected with RYR2-related conditions. Advanced modeling of protein sequence and biophysical properties (such as structural, functional, and spatial information, amino acid conservation, physicochemical variation, residue mobility, and thermodynamic stability) performed at Invitae indicates that this missense variant is not expected to disrupt RYR2 protein function with a negative predictive value of 95%. In summary, the available evidence is currently insufficient to determine the role of this variant in disease. Therefore, it has been classified as a Variant of Uncertain Significance.